The following is an entry in ClinVar:

ClinVar aggregate classification (germline): Uncertain significance. Review status: criteria provided, multiple submitters, no conflicts (2 of 4 stars). 2 submissions from 2 submitters: Uncertain significance (2). Last evaluated 2024-09-24.

Conditions:
Aicardi-Goutieres syndrome 6 (AGS6). Identifiers: Orphanet 51, MedGen C3539013, MONDO:0014007, OMIM 615010.
Symmetrical dyschromatosis of extremities (DSH). Also called: SYMMETRIC DYSCHROMATOSIS OF THE EXTREMITIES; DYSCHROMATOSIS SYMMETRICA HEREDITARIA 1; Dyschromatosis symmetrica hereditaria; RETICULATE ACROPIGMENTATION OF DOHI. Identifiers: Orphanet 41, MedGen C0406775, MONDO:0007483, OMIM 127400.

Allele frequency attached by ClinVar (database versions not stated): gnomAD 0.00001; ExAC 0.00002; gnomAD exomes 0.00002 and 0.00008; TOPMed 0.00004; ESP Exome Variant Server 0.00015.
gnomAD v4.1: 113 of 1,613,806 alleles (0.007%); highest among the groups gnomAD compares: Non-Finnish European, 0.0089%; no homozygotes.

Submissions (2):

Labcorp Genetics (formerly Invitae), Labcorp
Classification: Uncertain significance for Aicardi-Goutieres syndrome 6; Symmetrical dyschromatosis of extremities. Last evaluated: 2024-09-24. Review status: criteria provided, single submitter. Criteria: Invitae Variant Classification Sherloc (09022015). Collection method: clinical testing. Allele origin: germline.
Comment: This sequence change replaces arginine, which is basic and polar, with cysteine, which is neutral and slightly polar, at codon 979 of the ADAR protein (p.Arg979Cys). This variant is present in population databases (rs369346345, gnomAD 0.01%). This variant has not been reported in the literature in individuals affected with ADAR-related conditions. ClinVar contains an entry for this variant (Variation ID: 1445129). Invitae Evidence Modeling of protein sequence and biophysical properties (such as structural, functional, and spatial information, amino acid conservation, physicochemical variation, residue mobility, and thermodynamic stability) indicates that this missense variant is not expected to disrupt ADAR protein function with a negative predictive value of 80%. In summary, the available evidence is currently insufficient to determine the role of this variant in disease. Therefore, it has been classified as a Variant of Uncertain Significance.

Blueprint Genetics
Classification: Uncertain significance. Last evaluated: 2023-08-14. Review status: criteria provided, single submitter. Criteria: ACMG Guidelines, 2015. Collection method: clinical testing. Allele origin: germline.

NM_001111.5(ADAR):c.2935C>T (p.Arg979Cys)

Gene: ADAR (adenosine deaminase RNA specific; minus strand). Cytogenetic location: 1q21.3.
Variant type: single nucleotide variant.
Coding change: c.2935C>T on transcript NM_001111.5 (MANE Select); coding-DNA position 2935, C replaced by T.
Protein change: p.Arg979Cys; replaces arginine 979 with cysteine.
Molecular consequence: missense variant.
Genome position (GRCh38, 1-based): chr1:154,588,209, G>A on the plus strand (C>T on the coding strand, the complement: ADAR is on the minus strand). VCF-style: chr1-154588209-G-A. GRCh37 (hg19) VCF-style: chr1-154560685-G-A.
Other names: c.2050C>T, p.Arg684Cys (NM_001025107.3, NM_001193495.2, NM_001365046.1 and 2 more transcripts); c.2962C>T, p.Arg988Cys (NM_001365045.1); c.1972C>T, p.Arg658Cys (NM_001365049.1); c.2857C>T, p.Arg953Cys (NM_015840.4); c.2800C>T, p.Arg934Cys (NM_015841.4); short protein forms R684C, R953C, R979C, R658C, R934C, R988C.
Identifiers: ClinVar variation 1445129 (VCV001445129.7), dbSNP rs369346345, ClinGen allele CA1131099.